The following is an entry in ClinVar:

NM_022436.3(ABCG5):c.365G>A (p.Arg122Gln)

Gene: ABCG5 (ATP binding cassette subfamily G member 5; minus strand). Cytogenetic location: 2p21.
Variant type: single nucleotide variant.
Coding change: c.365G>A on transcript NM_022436.3 (MANE Select); coding-DNA position 365, G replaced by A.
Protein change: p.Arg122Gln; replaces arginine 122 with glutamine.
Molecular consequence: missense variant.
Genome position (GRCh38, 1-based): chr2:43,831,984, C>T on the plus strand (G>A on the coding strand, the complement: ABCG5 is on the minus strand). VCF-style: chr2-43831984-C-T. GRCh37 (hg19) VCF-style: chr2-44059123-C-T.
Other names: c.365G>A (NM_022436.2); short protein forms R122Q.
Identifiers: ClinVar variation 497596 (VCV000497596.9), dbSNP rs555463051, ClinGen allele CA1636707.

ClinVar aggregate classification (germline): Uncertain significance. Review status: criteria provided, multiple submitters, no conflicts (2 of 4 stars). 3 submissions from 3 submitters: Uncertain significance (3). Last evaluated 2026-09-22.

Conditions:
ABCG5-related disorder. Also called: ABCG5-related condition.
Sitosterolemia (STSL). Also called: PHYTOSTEROLEMIA. Identifiers: Orphanet 2882, MedGen C0342907, MONDO:0008863.

Allele frequency attached by ClinVar (database versions not stated): ExAC below 0.00001; TOPMed below 0.00001; gnomAD 0.00001; gnomAD exomes 0.00001 and 0.00002; 1000 Genomes Project 30x 0.00016; 1000 Genomes Project 0.00020.

Submissions (3):

PreventionGenetics, part of Exact Sciences
Classification: Uncertain significance for ABCG5-related condition. Last evaluated: 2026-09-22. Review status: criteria provided, single submitter. Criteria: ACMG Guidelines, 2015. Collection method: clinical testing. Allele origin: germline.
Comment: The ABCG5 c.365G>A variant is predicted to result in the amino acid substitution p.Arg122Gln. To our knowledge, this variant has not been reported in the literature. This variant is reported in 0.012% of alleles in individuals of Latino descent in gnomAD. At this time, the clinical significance of this variant is uncertain due to the absence of conclusive functional and genetic evidence.

Labcorp Genetics (formerly Invitae), Labcorp
Classification: Uncertain significance for Sitosterolemia. Last evaluated: 2024-09-03. Review status: criteria provided, single submitter. Criteria: Invitae Variant Classification Sherloc (09022015). Collection method: clinical testing. Allele origin: germline.
Comment: This sequence change replaces arginine, which is basic and polar, with glutamine, which is neutral and polar, at codon 122 of the ABCG5 protein (p.Arg122Gln). This variant is present in population databases (rs555463051, gnomAD 0.02%). This variant has not been reported in the literature in individuals affected with ABCG5-related conditions. ClinVar contains an entry for this variant (Variation ID: 497596). An algorithm developed to predict the effect of missense changes on protein structure and function outputs the following: PolyPhen-2: "Benign". The glutamine amino acid residue is found in multiple mammalian species, which suggests that this missense change does not adversely affect protein function. In summary, the available evidence is currently insufficient to determine the role of this variant in disease. Therefore, it has been classified as a Variant of Uncertain Significance.

Eurofins Ntd Llc (ga)
Classification: Uncertain significance. Last evaluated: 2016-09-26. Review status: criteria provided, single submitter. Criteria: EGL Classification Definitions 2015. Collection method: clinical testing. Allele origin: germline. Observed: 1 variant allele, 1 heterozygote.